The following is an entry in ClinVar:

ClinVar aggregate classification (germline): Pathogenic. Review status: reviewed by expert panel (3 of 4 stars). 8 submissions from 8 submitters: Pathogenic (1). 7 of the submissions do not count toward it. Last evaluated 2025-12-02.

Conditions:
Breast-ovarian cancer, familial, susceptibility to, 1 (BROVCA1). Also called: BRCA1 Hereditary Breast and Ovarian Cancer; OVARIAN CANCER, SUSCEPTIBILITY TO. Identifiers: Orphanet 145, MedGen C2676676, MONDO:0011450, OMIM 604370. Disease mechanism: loss of function.
BRCA1-related cancer predisposition. Identifiers: MedGen CN377757, MONDO:0700268.
Hereditary cancer-predisposing syndrome. Also called: Hereditary Cancer Syndrome; Hereditary neoplastic syndrome; Neoplastic Syndromes, Hereditary; Tumor predisposition. Identifiers: Orphanet 140162, MedGen C0027672, MeSH D009386, MONDO:0015356.
Hereditary breast ovarian cancer syndrome. Also called: BRCA1- and BRCA2-Associated Hereditary Breast and Ovarian Cancer; Hereditary breast and ovarian cancer syndrome; Hereditary breast and ovarian cancer syndrome (HBOC); Breast and ovarian cancer; Hereditary breast and/or ovarian cancer syndrome; Hereditary breast and ovarian cancer. Identifiers: Orphanet 145, MedGen C0677776, MeSH D061325, MONDO:0003582. Disease mechanism: loss of function.

Submissions (9):

ClinGen ENIGMA BRCA1 and BRCA2 Variant Curation Expert Panel, ClinGen
Classification: Pathogenic for BRCA1-related cancer predisposition. Last evaluated: 2025-12-02. Review status: reviewed by expert panel. Criteria: CSpec BRCA12ACMG Rules Specifications V1.1. Collection method: curation. Allele origin: germline. Inheritance: Autosomal dominant inheritance.
Comment: The c.5282T>C variant in BRCA1 is a missense variant predicted to cause substitution of Phenylalanine by Serine at amino acid 1761 (p.(Phe1761Ser)). This variant is absent from gnomAD v2.1 (exomes only, non-cancer subset, read depth ≥25) and gnomAD v3.1 (non-cancer subset, read depth ≥25) (PM2_Supporting met). Reported by four calibrated studies to exhibit protein function similar to pathogenic control variants (PMIDs:30209399, 30257991, 38709234, 35196514) (PS3 met). This BRCA1 missense variant is within a key functional domain and the computational predictor BayesDel (noAF) gives a score of 0.47, above the recommended threshold of 0.28 for prediction of impact on BRCA1 function via protein change. A SpliceAI score of 0 predicts no impact on splicing (score threshold <0.10) (PP3 met). Multifactorial likelihood ratio analysis using clinically calibrated data produced a combined LR for this variant of 24.07 (based on Cosegregation LR=3.26; Co-occurrence LR=1.07; Family History LR=6.9), within the thresholds for strong evidence towards pathogenicity (LR ≥18.7 & <350) (PP4_Strong met; Internal lab contributor). In summary, this variant meets the criteria to be classified as a Pathogenic variant for BRCA1-related cancer predisposition based on the ACMG/AMP criteria applied as specified by the ENIGMA BRCA1/2 VCEP (PM2_Supporting, PS3, PP3, PP4_Strong).

German Consortium for Hereditary Breast and Ovarian Cancer, University Hospital Cologne
Classification: Likely pathogenic for Hereditary breast ovarian cancer syndrome. Last evaluated: 2023-10-12. Review status: criteria provided, single submitter. Criteria: ACMG Guidelines, 2015. Collection method: curation. Allele origin: germline. Not counted in ClinVar's aggregate classification.
Comment: PS3, PM2_supporting, PP3. According to the ACMG standard criteria we chose these criteria: PS3 (strong pathogenic): Findlay et al., 2018: LOF; Fernandes et al., 2019: fclass 5; Lee et al., 2010: strong functional effect, PM2 (supporting pathogenic): absent from controls, PP3 (supporting pathogenic): REVEL: 0.872 ; PRIOR: 0.66

Color Diagnostics, LLC DBA Color Health
Classification: Likely pathogenic for Hereditary cancer-predisposing syndrome. Last evaluated: 2022-08-29. Review status: criteria provided, single submitter. Criteria: ACMG Guidelines, 2015. Collection method: clinical testing. Allele origin: germline. Not counted in ClinVar's aggregate classification.
Comment: This missense variant replaces phenylalanine with serine at codon 1761 of the BRCA1 protein. Computational prediction suggests that this variant may have deleterious impact on protein structure and function (internally defined REVEL score threshold >= 0.7, PMID: 27666373). This variant has been reported to impact BRCA1 function in a homology-directed repair assay, haploid human cell proliferation assay and yeast transcription activation assays (PMID: 10811118, 20516115, 29884841, 30209399). This variant has been reported in three individuals affected with breast cancer and/or ovarian (PMID: 19016756, 34072659; Color internal data) and a multifactorial analysis has reported co-occurrence and family history likelihood ratios for pathogenicity of 1.067 and 6.917, respectively (PMID: 31131967). This variant has not been identified in the general population by the Genome Aggregation Database (gnomAD). Based on the available evidence, this variant is classified as Likely Pathogenic.

Labcorp Genetics (formerly Invitae), Labcorp
Classification: Likely pathogenic for Hereditary breast ovarian cancer syndrome. Last evaluated: 2022-06-22. Review status: criteria provided, single submitter. Criteria: Invitae Variant Classification Sherloc (09022015). Collection method: clinical testing. Allele origin: germline. Not counted in ClinVar's aggregate classification.
Comment: This sequence change replaces phenylalanine, which is neutral and non-polar, with serine, which is neutral and polar, at codon 1761 of the BRCA1 protein (p.Phe1761Ser). This variant is not present in population databases (gnomAD no frequency). In summary, the currently available evidence indicates that the variant is pathogenic, but additional data are needed to prove that conclusively. Therefore, this variant has been classified as Likely Pathogenic. Experimental studies have shown that this missense change affects BRCA1 function (PMID: 10811118, 20516115, 28781887, 30209399, 30765603). Advanced modeling of experimental studies (such as gene expression, population dynamics, functional pathways, and cell-cycle effects in cell culture) performed at Invitae indicates that this missense variant is expected to disrupt BRCA1 protein function. ClinVar contains an entry for this variant (Variation ID: 55505). This missense change has been observed in individual(s) with hereditary breast and/or ovarian cancer (PMID: 19016756).

Women's Health and Genetics/Laboratory Corporation of America, LabCorp
Classification: Likely pathogenic for Hereditary breast and ovarian cancer syndrome. Last evaluated: 2019-08-22. Review status: criteria provided, single submitter. Criteria: LabCorp Variant Classification Summary - May 2015. Collection method: clinical testing. Allele origin: germline. Not counted in ClinVar's aggregate classification.
Comment: Variant summary: BRCA1 c.5282T>C (p.Phe1761Ser) results in a non-conservative amino acid change located in the BRCT domain (IPR001357) of the encoded protein sequence. Five of five in-silico tools predict a damaging effect of the variant on protein function. The variant was absent in 251176 control chromosomes. c.5282T>C has been reported in the literature in at-least one individual affected with Hereditary Breast Cancer (Sugano_2008). These report(s) do not provide unequivocal conclusions about association of the variant with Hereditary Breast and Ovarian Cancer. At least one publication reports experimental evidence evaluating an impact on protein function. The most pronounced variant effect results in a greater than 99% probability of pathogenicity based on a transcriptional activation (TA) assay (Woods_2016). Two clinical diagnostic laboratories have submitted clinical-significance assessments for this variant to ClinVar after 2014 without evidence for independent evaluation. One laboratory classified the variant as likely pathogenic, and one laboratory classified the variant as uncertain significance. Based on the evidence outlined above, the variant was classified as likely pathogenic.

Ambry Genetics
Classification: Likely pathogenic for Hereditary cancer-predisposing syndrome. Last evaluated: 2018-06-21. Review status: criteria provided, single submitter. Criteria: Ambry Variant Classification Scheme 2023. Collection method: clinical testing. Allele origin: germline. Not counted in ClinVar's aggregate classification.
Comment: The p.F1761S variant (also known as c.5282T>C), located in coding exon 19 of the BRCA1 gene, results from a T to C substitution at nucleotide position 5282. The phenylalanine at codon 1761 is replaced by serine, an amino acid with highly dissimilar properties. This alteration was also severely compromised in multiple functional assays including in binding activity, transcription activation and binding specificity (Lee MS et al. Cancer Res. 2010 Jun;70:4880-90; Hayes F et al. Cancer Res. 2000 May;60:2411-8). Internal structural analysis identified this alteration as being within a mutational hotspot within the BRCT2 domain and predicts that this substitution is likely to disturb the local structure in a manner that is comparable to other nearby pathogenic alterations (Ambry internal data; Varma AK et al. Biochemistry. 2005 Aug;44:10941-6). This amino acid position is highly conserved in available vertebrate species. In addition, this alteration is predicted to be deleterious by in silico analysis. Based on the majority of available evidence to date, this variant is likely to be pathogenic.

Counsyl
Classification: Uncertain significance for Breast-ovarian cancer, familial, susceptibility to, 1. Last evaluated: 2017-06-22. Review status: no assertion criteria provided. Collection method: clinical testing. Allele origin: unknown. Not counted in ClinVar's aggregate classification.

Brotman Baty Institute, University of Washington
No classification provided (evidence only). Condition: Breast-ovarian cancer, familial 1. Review status: no classification provided. Collection method: in vitro. Allele origin: not applicable. Functional consequence: functionally_abnormal. Not counted in ClinVar's aggregate classification.
ClinVar note: "not provided" was previously submitted as the classification for the variant. However, the classification appeared to be based only on an observation of functional data so it was converted to no classification on 2025-07-30.

Breast Cancer Information Core (BIC) (BRCA1)
Classification: Uncertain significance for Breast-ovarian cancer, familial 1. Last evaluated: 2003-12-23. Review status: flagged submission. Collection method: clinical testing. Allele origin: germline. Affected: yes. Observed: 1 variant allele. Not counted in ClinVar's aggregate classification.
ClinVar note: Reason: Older claim that does not account for recent evidence

Literature cited by the submitters: PubMed 10811118 (cited by 4 submitters); PubMed 19016756 (cited by 5 submitters); PubMed 20516115 (cited by 4 submitters); PubMed 29884841 (cited by Color Diagnostics, LLC DBA Color Health); PubMed 30209399 (cited by Color Diagnostics, LLC DBA Color Health and Labcorp Genetics (formerly Invitae), Labcorp); PubMed 31131967 (cited by Color Diagnostics, LLC DBA Color Health); PubMed 34072659 (cited by Color Diagnostics, LLC DBA Color Health); PubMed 28781887 (cited by 3 submitters); PubMed 30765603 (cited by Labcorp Genetics (formerly Invitae), Labcorp); PubMed 16101277 (cited by Ambry Genetics); PubMed 24845084 (cited by Counsyl); PubMed 15172985 (cited by Counsyl); PubMed 15385441 (cited by Counsyl).

NM_007294.4(BRCA1):c.5282T>C (p.Phe1761Ser)

Gene: BRCA1 (BRCA1 DNA repair associated; minus strand). Cytogenetic location: 17q21.31.
Variant type: single nucleotide variant.
Coding change: c.5282T>C on transcript NM_007294.4 (MANE Select); coding-DNA position 5282, T replaced by C.
Protein change: p.Phe1761Ser; replaces phenylalanine 1761 with serine.
Molecular consequence: missense variant. On other transcripts: non-coding transcript variant (1).
Genome position (GRCh38, 1-based): chr17:43,051,113, A>G on the plus strand (T>C on the coding strand, the complement: BRCA1 is on the minus strand). VCF-style: chr17-43051113-A-G. GRCh37 (hg19) VCF-style: chr17-41203130-A-G.
Other names: NM_007294.4(BRCA1):c.5282T>C; p.Phe1761Ser; c.5135T>C, p.Phe1712Ser (NM_001407838.1, NM_001407839.1, NM_001407841.1 and 12 more transcripts); c.5069T>C, p.Phe1690Ser (NM_001407896.1, NM_001407897.1, NM_001407898.1 and 12 more transcripts); c.5141T>C, p.Phe1714Ser (NM_001407942.1, NM_001407692.1, NM_001407694.1 and 13 more transcripts); c.5138T>C, p.Phe1713Ser (NM_001407943.1, NM_001407944.1, NM_001407945.1 and 21 more transcripts); c.4949T>C, p.Phe1650Ser (NM_001407946.1, NM_001407947.1, NM_001407948.1 and 1 more transcripts); c.4946T>C, p.Phe1649Ser (NM_001407950.1, NM_001407951.1, NM_001407952.1 and 3 more transcripts); and 74 more; short protein forms F1761S, F1714S, F1782S, F657S, F1465S, F1632S, F1634S, F1691S.
Identifiers: ClinVar variation 55505 (VCV000055505.26), dbSNP rs80356905, ClinGen allele CA003442.